The following is an entry in ClinVar:

NM_005422.4(TECTA):c.262C>G (p.Pro88Ala)

Genes: TBCEL-TECTA (TBCEL-TECTA readthrough; plus strand), TECTA (tectorin alpha; plus strand). Cytogenetic location: 11q23.3.
Variant type: single nucleotide variant.
Coding change: c.262C>G on transcript NM_005422.4 (MANE Select); coding-DNA position 262, C replaced by G.
Protein change: p.Pro88Ala; replaces proline 88 with alanine.
Molecular consequence: missense variant.
Genome position (GRCh38, 1-based): chr11:121,109,274, C>G. VCF-style: chr11-121109274-C-G. GRCh37 (hg19) VCF-style: chr11-120979983-C-G.
Other names: c.1219C>G, p.Pro407Ala (NM_001378761.1); short protein forms P407A, P88A.
Identifiers: ClinVar variation 4800631 (VCV004800631.1).

ClinVar aggregate classification (germline): Uncertain significance (1 of 4 stars; one submission).

Submission:

Labcorp Genetics (formerly Invitae), Labcorp
Classification: Uncertain significance. Last evaluated: 2025-06-06. Review status: criteria provided, single submitter. Criteria: Invitae Variant Classification Sherloc (09022015). Collection method: clinical testing. Allele origin: germline.
Comment: This sequence change replaces proline, which is neutral and non-polar, with alanine, which is neutral and non-polar, at codon 88 of the TECTA protein (p.Pro88Ala). This variant is not present in population databases (gnomAD no frequency). This variant has not been reported in the literature in individuals affected with TECTA-related conditions. Invitae Evidence Modeling of protein sequence and biophysical properties (such as structural, functional, and spatial information, amino acid conservation, physicochemical variation, residue mobility, and thermodynamic stability) has been performed for this missense variant. However, the output from this modeling did not meet the statistical confidence thresholds required to predict the impact of this variant on TECTA protein function. In summary, the available evidence is currently insufficient to determine the role of this variant in disease. Therefore, it has been classified as a Variant of Uncertain Significance.